The following is an entry in ClinVar:

ClinVar aggregate classification (germline): Likely pathogenic (1 of 4 stars; one submission).

Conditions:
Familial focal epilepsy with variable foci (FPEVF). Identifiers: Orphanet 98820, MedGen C1858477, MONDO:0020310.

Submission:

Labcorp Genetics (formerly Invitae), Labcorp
Classification: Likely pathogenic for Familial focal epilepsy with variable foci. Last evaluated: 2020-08-17. Review status: criteria provided, single submitter. Criteria: Invitae Variant Classification Sherloc (09022015). Collection method: clinical testing. Allele origin: germline.
Comment: This variant results in the deletion of part of exon 26 (c.2233_2355-686del) of the DEPDC5 gene. It is expected to disrupt RNA splicing and likely results in an absent or disrupted protein product. This variant is not present in population databases (ExAC no frequency). This variant has not been reported in the literature in individuals with DEPDC5-related conditions. Loss-of-function variants in DEPDC5 are known to be pathogenic (PMID: 23542697, 23542701). In summary, the currently available evidence indicates that the variant is pathogenic, but additional data are needed to prove that conclusively. Therefore, this variant has been classified as Likely Pathogenic.

Literature cited by the submitters: PubMed 23542697; PubMed 23542701.

NM_001242896.3(DEPDC5):c.2233_2355-686del

Gene: DEPDC5 (DEP domain containing 5, GATOR1 subcomplex subunit; plus strand). Cytogenetic location: 22q12.3.
Variant type: Deletion.
Coding change: c.2233_2355-686del on transcript NM_001242896.3 (MANE Select); coding-DNA position 2233 through 686 bases into the intron before coding-DNA position 2355, 966 bases deleted.
Molecular consequence: splice donor variant.
Genome position (GRCh38, 1-based): chr22:31,837,034-31,837,999, 966 bases deleted. GRCh37 (hg19): chr22:32,233,020-32,233,985.
Other names: c.2233_2355-686del (NM_001364318.2, NM_001363852.2, NM_001364320.2); c.2206_2328-686del (NM_001136029.4, NM_014662.6, NM_001369903.1); c.1999_2121-686del (NM_001363854.2, NM_001242897.2, NM_001364319.2); c.2149_2271-686del (NM_001369902.1, NM_001369901.1).
Identifiers: ClinVar variation 1068319 (VCV001068319.7), dbSNP rs2148952714, ClinGen allele CA2499226158.